The following is an entry in ClinVar:

ClinVar aggregate classification (germline): Uncertain significance (1 of 4 stars; one submission).

Conditions:
Hemolytic disease of fetus and newborn, RH-induced. Also called: RH DISEASE; RH FETOMATERNAL INCOMPATIBILITY. Identifiers: MedGen C0748400, MONDO:0859172, OMIM 619462.
BLOOD GROUP, RH SYSTEM. Identifiers: MedGen C1292171, OMIM 111690.

gnomAD v4.1: 1 of 1,375,150 alleles (0.000073%); highest among the groups gnomAD compares: Non-Finnish European, 0.0001%; no homozygotes.

Submission:

Juno Genomics, Hangzhou Juno Genomics, Inc
Classification: Uncertain significance for BLOOD GROUP, RH SYSTEM; Hemolytic disease of fetus and newborn, RH-induced. Review status: criteria provided, single submitter. Criteria: ACMG Guidelines, 2015. Collection method: clinical testing. Allele origin: germline.
Comment: Absent from controls (or at extremely low frequency if recessive) in Genome Aggregation Database.;Multiple lines of computational evidence support a deleterious effect on the gene or gene product.

NM_016124.6(RHD):c.634+2T>C

Genes: RHD (Rh blood group D antigen; plus strand), RSRP1 (arginine and serine rich protein 1; minus strand). Cytogenetic location: 1p36.11.
Variant type: single nucleotide variant.
Coding change: c.634+2T>C on transcript NM_016124.6 (MANE Select); the canonical splice donor site of the intron after coding-DNA position 634, T replaced by C.
Molecular consequence: splice donor variant. On other transcripts: intron variant (1).
Genome position (GRCh38, 1-based): chr1:25,301,095, T>C. VCF-style: chr1-25301095-T-C. GRCh37 (hg19) VCF-style: chr1-25627586-T-C.
Other names: c.-67+35945A>G (NM_001321772.2); c.634+2T>C (NM_001282872.1, NM_001282870.1, NM_001282868.1 and 3 more transcripts); c.136+2T>C (NM_001282867.1).
Identifiers: ClinVar variation 5006455 (VCV005006455.2).
Genomic context (GRCh38, chr1:25,301,095, plus strand): 5'-CGAGGGAACGGAGGATAAAGATCAGACAGCAACGATACCCAGTTTGTCTGCCATGCTGGG[T>C]AAGGACAAGGTGGGGTGAGTGGTCTCCTACTTGGGCTGAGCAGAATGGCTCAGAAAAGGC-3'